The following is an entry in ClinVar:

ClinVar aggregate classification (germline): Uncertain significance (1 of 4 stars; one submission).

Submission:

GeneDx
Classification: Uncertain significance. Last evaluated: 2024-06-05. Review status: criteria provided, single submitter. Criteria: GeneDx Variant Classification Process June 2021. Collection method: clinical testing. Allele origin: germline. Affected: yes.
Comment: Not observed at significant frequency in large population cohorts (gnomAD); In silico analysis supports that this missense variant has a deleterious effect on protein structure/function; Has not been previously published as pathogenic or benign to our knowledge

NM_001007553.3(CSDE1):c.2102A>G (p.His701Arg)

Gene: CSDE1 (cold shock domain containing E1; minus strand). Cytogenetic location: 1p13.2.
Variant type: single nucleotide variant.
Coding change: c.2102A>G on transcript NM_001007553.3 (MANE Select); coding-DNA position 2102, A replaced by G.
Protein change: p.His701Arg; replaces histidine 701 with arginine.
Molecular consequence: missense variant.
Genome position (GRCh38, 1-based): chr1:114,719,693, T>C on the plus strand (A>G on the coding strand, the complement: CSDE1 is on the minus strand). VCF-style: chr1-114719693-T-C. GRCh37 (hg19) VCF-style: chr1-115262314-T-C.
Other names: c.2147A>G, p.His716Arg (NM_001130523.3); c.2240A>G, p.His747Arg (NM_001242891.2); c.2102A>G, p.His701Arg (NM_001242892.2); c.2009A>G, p.His670Arg (NM_001242893.2, NM_007158.6); short protein forms H670R, H701R, H716R, H747R.
Identifiers: ClinVar variation 3384628 (VCV003384628.1).